The following is an entry in ClinVar:

ClinVar aggregate classification (germline): Uncertain significance. Review status: criteria provided, multiple submitters, no conflicts (2 of 4 stars). 2 submissions from 2 submitters: Uncertain significance (2). Last evaluated 2026-07-23.

Conditions:
UCP3-related disorder. Also called: UCP3-related condition.

Allele frequency attached by ClinVar (database versions not stated): TOPMed 0.00004; ESP Exome Variant Server 0.00008; 1000 Genomes Project 0.00020; 1000 Genomes Project 30x 0.00031.
gnomAD v4.1: 20 of 1,589,748 alleles (0.0013%); highest among the groups gnomAD compares: African/African-American, 0.0054%; no homozygotes.

Submissions (2):

PreventionGenetics, part of Exact Sciences
Classification: Uncertain significance for UCP3-related condition. Last evaluated: 2026-07-23. Review status: criteria provided, single submitter. Criteria: ACMG Guidelines, 2015. Collection method: clinical testing. Allele origin: germline.
Comment: The UCP3 c.161G>A variant is predicted to result in the amino acid substitution p.Arg54Gln. To our knowledge, this variant has not been reported in the literature. This variant is reported in 0.0058% of alleles in individuals of European (Non-Finnish) descent in gnomAD. At this time, the clinical significance of this variant is uncertain due to the absence of conclusive functional and genetic evidence.

Ambry Genetics
Classification: Uncertain significance. Last evaluated: 2025-03-18. Review status: criteria provided, single submitter. Criteria: Ambry Variant Classification Scheme 2023. Collection method: clinical testing. Allele origin: germline.

NM_003356.4(UCP3):c.161G>A (p.Arg54Gln)

Gene: UCP3 (uncoupling protein 3; minus strand). Cytogenetic location: 11q13.4.
Variant type: single nucleotide variant.
Coding change: c.161G>A on transcript NM_003356.4 (MANE Select); coding-DNA position 161, G replaced by A.
Protein change: p.Arg54Gln; replaces arginine 54 with glutamine.
Molecular consequence: missense variant.
Genome position (GRCh38, 1-based): chr11:74,006,345, C>T on the plus strand (G>A on the coding strand, the complement: UCP3 is on the minus strand). VCF-style: chr11-74006345-C-T. GRCh37 (hg19) VCF-style: chr11-73717390-C-T.
Other names: c.161G>A, p.Arg54Gln (NM_022803.3); short protein forms R54Q.
Identifiers: ClinVar variation 2635733 (VCV002635733.4), dbSNP rs368703422, ClinGen allele CA6181607.